The following is an entry in ClinVar:

ClinVar aggregate classification (germline): Uncertain significance. Review status: criteria provided, multiple submitters, no conflicts (2 of 4 stars). 2 submissions from 2 submitters: Uncertain significance (2). Last evaluated 2022-10-17.

Allele frequency attached by ClinVar (database versions not stated): gnomAD exomes below 0.00001.
gnomAD v4.1: 5 of 1,613,280 alleles (0.00031%); highest among the groups gnomAD compares: Non-Finnish European, 0.00042%; no homozygotes.

Submissions (2):

Labcorp Genetics (formerly Invitae), Labcorp
Classification: Uncertain significance. Last evaluated: 2022-10-17. Review status: criteria provided, single submitter. Criteria: Invitae Variant Classification Sherloc (09022015). Collection method: clinical testing. Allele origin: germline.
Comment: This sequence change replaces arginine, which is basic and polar, with cysteine, which is neutral and slightly polar, at codon 54 of the MYO15A protein (p.Arg54Cys). This variant is not present in population databases (gnomAD no frequency). This variant has not been reported in the literature in individuals affected with MYO15A-related conditions. Advanced modeling of protein sequence and biophysical properties (such as structural, functional, and spatial information, amino acid conservation, physicochemical variation, residue mobility, and thermodynamic stability) performed at Invitae indicates that this missense variant is not expected to disrupt MYO15A protein function. In summary, the available evidence is currently insufficient to determine the role of this variant in disease. Therefore, it has been classified as a Variant of Uncertain Significance.

GeneDx
Classification: Uncertain significance. Last evaluated: 2022-03-28. Review status: criteria provided, single submitter. Criteria: GeneDx Variant Classification Process June 2021. Collection method: clinical testing. Allele origin: germline. Affected: yes.
Comment: Not observed at significant frequency in large population cohorts (gnomAD); In silico analysis supports that this missense variant has a deleterious effect on protein structure/function; Has not been previously published as pathogenic or benign to our knowledge

NM_016239.4(MYO15A):c.160C>T (p.Arg54Cys)

Gene: MYO15A (myosin XVA; plus strand). Cytogenetic location: 17p11.2.
Variant type: single nucleotide variant.
Coding change: c.160C>T on transcript NM_016239.4 (MANE Select); coding-DNA position 160, C replaced by T.
Protein change: p.Arg54Cys; replaces arginine 54 with cysteine.
Molecular consequence: missense variant.
Genome position (GRCh38, 1-based): chr17:18,118,960, C>T. VCF-style: chr17-18118960-C-T. GRCh37 (hg19) VCF-style: chr17-18022274-C-T.
Other names: short protein forms R54C.
Identifiers: ClinVar variation 1707870 (VCV001707870.7), dbSNP rs1381422765, ClinGen allele CA398589561.